The following is an entry in ClinVar:

ClinVar aggregate classification (germline): Benign/Likely benign. Review status: criteria provided, multiple submitters, no conflicts (2 of 4 stars). 4 submissions from 4 submitters: Benign (2); Likely benign (1). 1 of the submissions does not count toward it. Last evaluated 2026-01-19.

Conditions:
DMXL2-related disorder. Also called: DMXL2-related condition.

Allele frequency attached by ClinVar (database versions not stated): ESP Exome Variant Server 0.00015; gnomAD 0.00019 and 0.00046; TOPMed 0.00040; gnomAD exomes 0.00063; 1000 Genomes Project 0.00120; 1000 Genomes Project 30x 0.00141; ExAC 0.00148.
gnomAD v4.1: 985 of 1,611,228 alleles (0.061%); highest among the groups gnomAD compares: South Asian, 0.89%; 8 homozygotes.

Submissions (4):

Labcorp Genetics (formerly Invitae), Labcorp
Classification: Benign. Last evaluated: 2026-01-19. Review status: criteria provided, single submitter. Criteria: Invitae Variant Classification Sherloc (09022015). Collection method: clinical testing. Allele origin: germline.

Blueprint Genetics
Classification: Likely benign. Last evaluated: 2024-11-18. Review status: criteria provided, single submitter. Criteria: ACMG Guidelines, 2015. Collection method: clinical testing. Allele origin: germline.

Breakthrough Genomics
Classification: Benign. Review status: criteria provided, single submitter. Criteria: ACMG Guidelines, 2015. Collection method: not provided. Allele origin: germline. Inheritance: Autosomal recessive inheritance. Affected: yes.

PreventionGenetics, part of Exact Sciences
Classification: Benign for DMXL2-related condition. Last evaluated: 2020-03-02. Review status: no assertion criteria provided. Collection method: clinical testing. Allele origin: germline. Not counted in ClinVar's aggregate classification.
Comment: This variant is classified as benign based on ACMG/AMP sequence variant interpretation guidelines (Richards et al. 2015 PMID: 25741868, with internal and published modifications).

NM_001378457.1(DMXL2):c.6896G>A (p.Arg2299His)

Gene: DMXL2 (Dmx like 2; minus strand). Cytogenetic location: 15q21.2.
Variant type: single nucleotide variant.
Coding change: c.6896G>A on transcript NM_001378457.1 (MANE Select); coding-DNA position 6896, G replaced by A.
Protein change: p.Arg2299His; replaces arginine 2299 with histidine.
Molecular consequence: missense variant. On other transcripts: non-coding transcript variant (2).
Genome position (GRCh38, 1-based): chr15:51,476,657, C>T on the plus strand (G>A on the coding strand, the complement: DMXL2 is on the minus strand). VCF-style: chr15-51476657-C-T. GRCh37 (hg19) VCF-style: chr15-51768854-C-T.
Other names: c.6896G>A (NM_001174116.1); c.6896G>A, p.Arg2299His (NM_001174116.3, NM_001378459.1, NM_001378461.1 and 1 more transcripts); c.4985G>A, p.Arg1662His (NM_001174117.3); c.6893G>A, p.Arg2298His (NM_001378458.1, NM_001378462.1, NM_015263.5); c.4874G>A, p.Arg1625His (NM_001378460.1); c.6653G>A, p.Arg2218His (NM_001378464.1); short protein forms R1625H, R1662H, R2218H, R2298H, R2299H.
Identifiers: ClinVar variation 1674436 (VCV001674436.12), dbSNP rs200609180, ClinGen allele CA7561516.